The following is an entry in ClinVar:

ClinVar aggregate classification (germline): Conflicting classifications of pathogenicity. Review status: criteria provided, conflicting classifications (1 of 4 stars). 5 submissions from 4 submitters: Pathogenic (2); Likely pathogenic (2); Uncertain significance (1). Last evaluated 2026-08-05.

Conditions:
RPGRIP1-related disorder. Also called: RPGRIP1-related condition.
Cone-rod dystrophy 13 (CORD13). Identifiers: Orphanet 1872, MedGen C2750720, MONDO:0011987, OMIM 608194.
Leber congenital amaurosis 6 (LCA6). Identifiers: Orphanet 65, MedGen C1854260, MONDO:0013446, OMIM 613826.

Allele frequency attached by ClinVar (database versions not stated): gnomAD exomes below 0.00001 and 0.00001; ExAC 0.00001; TOPMed 0.00002; gnomAD 0.00004; ESP Exome Variant Server 0.00008.
gnomAD v4.1: 8 of 1,588,074 alleles (0.0005%); highest among the groups gnomAD compares: African/African-American, 0.011%; no homozygotes.

Submissions (5):

PreventionGenetics, part of Exact Sciences
Classification: Pathogenic for RPGRIP1-related condition. Last evaluated: 2026-08-05. Review status: criteria provided, single submitter. Criteria: ACMG Guidelines, 2015. Collection method: clinical testing. Allele origin: germline.
Comment: The RPGRIP1 c.3749-2A>G variant is predicted to disrupt the AG splice acceptor site and interfere with normal splicing. To our knowledge, this variant has not been reported in the literature. This variant is reported in 0.017% of alleles in individuals of African descent in gnomAD. Variants that disrupt the consensus splice acceptor site in RPGRIP1 are expected to be pathogenic. This variant is interpreted as pathogenic.

Labcorp Genetics (formerly Invitae), Labcorp
Classification: Uncertain significance for Leber congenital amaurosis 6; Cone-rod dystrophy 13. Last evaluated: 2026-01-05. Review status: criteria provided, single submitter. Criteria: Invitae Variant Classification Sherloc (09022015). Collection method: clinical testing. Allele origin: germline.
Comment: This sequence change affects an acceptor splice site in intron 23 of the RPGRIP1 gene. While this variant is not anticipated to result in nonsense mediated decay, it likely alters RNA splicing and results in a disrupted protein product. This variant is present in population databases (rs376517859, gnomAD 0.01%). Disruption of this splice site has been observed in individual(s) with Leber congenital amaurosis (PMID: 23847139). ClinVar contains an entry for this variant (Variation ID: 195835). Variants that disrupt the consensus splice site are a relatively common cause of aberrant splicing (PMID: 17576681, 9536098). Algorithms developed to predict the effect of sequence changes on RNA splicing suggest that this variant may disrupt the consensus splice site. In summary, the available evidence is currently insufficient to determine the role of this variant in disease. Therefore, it has been classified as a Variant of Uncertain Significance.

Genome-Nilou Lab
Classification: Likely pathogenic for Leber congenital amaurosis 6. Last evaluated: 2021-11-07. Review status: criteria provided, single submitter. Criteria: ACMG Guidelines, 2015. Collection method: clinical testing. Allele origin: germline. Affected: no.

Genome-Nilou Lab
Classification: Likely pathogenic for Cone-rod dystrophy 13. Last evaluated: 2021-11-07. Review status: criteria provided, single submitter. Criteria: ACMG Guidelines, 2015. Collection method: clinical testing. Allele origin: germline. Affected: no.

Eurofins Ntd Llc (ga)
Classification: Pathogenic. Last evaluated: 2015-03-02. Review status: criteria provided, single submitter. Criteria: EGL Classification Definitions 2015. Collection method: clinical testing. Allele origin: germline. Observed: 2 variant alleles, 2 heterozygotes.

Literature cited by the submitters: PubMed 23847139 (cited by Labcorp Genetics (formerly Invitae), Labcorp); PubMed 17576681 (cited by Labcorp Genetics (formerly Invitae), Labcorp); PubMed 9536098 (cited by Labcorp Genetics (formerly Invitae), Labcorp).

NM_020366.4(RPGRIP1):c.3749-2A>G

Gene: RPGRIP1 (RPGR interacting protein 1; plus strand). Cytogenetic location: 14q11.2.
Variant type: single nucleotide variant.
Coding change: c.3749-2A>G on transcript NM_020366.4 (MANE Select); the canonical splice acceptor site of the intron before coding-DNA position 3749, A replaced by G.
Molecular consequence: splice acceptor variant.
Genome position (GRCh38, 1-based): chr14:21,351,102, A>G. VCF-style: chr14-21351102-A-G. GRCh37 (hg19) VCF-style: chr14-21819261-A-G.
Other names: c.2675-2A>G (NM_001377948.1); c.1835-2A>G (NM_001377949.1); c.1727-2A>G (NM_001377523.1, NM_001377950.1); c.1232-2A>G (NM_001377951.1).
Identifiers: ClinVar variation 195835 (VCV000195835.17), dbSNP rs376517859, ClinGen allele CA201956.
Genomic context (GRCh38, chr14:21,351,102, plus strand): 5'-GACAAATACCAAGTATCAAAGTGTTCAACTGAGTGATGCTGTTTTTTTCCCTTTCCCAAC[A>G]GTTGTTAGCCCTGAAGATCTGGCTACCCCAATAGGAAGGCTGAAGGTTTCCCTTCAAGCA-3'